The following is an entry in ClinVar:

NM_001134407.3(GRIN2A):c.906del (p.Ala303fs)

Gene: GRIN2A (glutamate ionotropic receptor NMDA type subunit 2A; minus strand). Cytogenetic location: 16p13.2.
Variant type: Deletion.
Coding change: c.906del on transcript NM_001134407.3 (MANE Select); coding-DNA position 906, one base deleted (T; older notation c.906delT).
Protein change: p.Ala303fs; shifts the reading frame from alanine 303.
Molecular consequence: frameshift variant.
Genome position (GRCh38, 1-based): chr16:9,938,060, A deleted on the plus strand (T on the coding strand, the reverse complement: GRIN2A is on the minus strand). VCF-style (leftmost placement, unchanged base first): chr16-9938059-CA-C. GRCh37 (hg19) VCF-style: chr16-10031916-CA-C.
Other names: c.906del, p.Ala303fs (NM_000833.5, NM_001134408.2); short protein forms A303fs.
Identifiers: ClinVar variation 4294311 (VCV004294311.1).

ClinVar aggregate classification (germline): Pathogenic (1 of 4 stars; one submission).

Conditions:
Landau-Kleffner syndrome (FESD). Also called: EPILEPSY, FOCAL, WITH SPEECH DISORDER AND WITH OR WITHOUT MENTAL RETARDATION; APHASIA, ACQUIRED, WITH EPILEPSY. Identifiers: Orphanet 1945, Orphanet 725, Orphanet 98818, MedGen C0282512, MONDO:0009509, OMIM 245570.

Submission:

Clinical Genomic Analysis (GENYSIS) Core, University of North Carolina at Chapel Hill
Classification: Pathogenic for Landau-Kleffner syndrome. Last evaluated: 2025-08-05. Review status: criteria provided, single submitter. Criteria: ACMG Guidelines, 2015. Collection method: research. Allele origin: de novo. Affected: yes. Observed: 1 heterozygote. Study: UNC Genetic Determinants of Neurological and Developmental Disorders (GDNDD) Study.
Comment: GRIN2A c.906del, p.(Ala303HisfsTer?), is a single nucleotide deletion in exon 3 of 13 that is predicted to result in a frameshift, premature protein truncation, and loss of protein function. This variant has not previously been reported in the literature or in ClinVar and is absent from control individuals in the gnomADv4.1 population database. This variant is therefore classified as pathogenic. ACMG codes: PVS1 (null variant), PS2 (confirmed de novo), PM2_Supporting (absent from gnomAD).